The following is an entry in ClinVar:

NM_000525.4(KCNJ11):c.570C>A (p.Ala190=)

Gene: KCNJ11 (potassium inwardly rectifying channel subfamily J member 11; minus strand). Cytogenetic location: 11p15.1.
Variant type: single nucleotide variant.
Coding change: c.570C>A on transcript NM_000525.4 (MANE Select); coding-DNA position 570, C replaced by A.
Protein change: p.Ala190=; no amino-acid change (alanine 190 retained).
Molecular consequence: synonymous variant.
Genome position (GRCh38, 1-based): chr11:17,387,522, G>T on the plus strand (C>A on the coding strand, the complement: KCNJ11 is on the minus strand). VCF-style: chr11-17387522-G-T. GRCh37 (hg19) VCF-style: chr11-17409069-G-T.
Other names: c.309C>A, p.Ala103= (NM_001166290.2, NM_001377296.1, NM_001377297.1).
Identifiers: ClinVar variation 1676326 (VCV001676326.1), dbSNP rs5218, ClinGen allele CA5902281.

ClinVar aggregate classification (germline): association not found (0 of 4 stars; one submission).

Conditions:
Type 2 diabetes mellitus. Also called: Type II diabetes mellitus. Identifiers: MedGen C0011860, MeSH D003924, MONDO:0005148, OMIM 125853, HP:0005978.

gnomAD v4.1: 1 of 1,611,390 alleles (0.000062%); highest among the groups gnomAD compares: South Asian, 0.0011%; no homozygotes.

Submission:

Clinical Genomics, Uppaluri K&H Personalized Medicine Clinic
Classification: association not found for Type 2 diabetes mellitus. Review status: no assertion criteria provided. Collection method: research. Allele origin: somatic. Affected: no.
Comment: Mutations can cause decreased production of insulin and secretion. This can lead to MODY which is responsive to oral sulfonylureas.

Literature cited by the submitters: PubMed 21573802; PubMed 26448950; PubMed 31195986.